The following is an entry in ClinVar:

ClinVar aggregate classification (germline): Likely benign. Review status: criteria provided, multiple submitters, no conflicts (2 of 4 stars). 2 submissions from 2 submitters: Likely benign (2). Last evaluated 2022-08-10.

Conditions:
Eichsfeld type congenital muscular dystrophy (CMYO3). Also called: Rigid spine muscular dystrophy 1; MYOPATHY, SEPN1-RELATED; SELENON-related myopathy; Congenital myopathy 3 with rigid spine. Identifiers: MedGen C0410180, MONDO:0100100, OMIM 602771.

Allele frequency attached by ClinVar (database versions not stated): TOPMed 0.00002; gnomAD 0.00003.
gnomAD v4.1: 4 of 843,902 alleles (0.00047%); highest among the groups gnomAD compares: Non-Finnish European, 0.00057%; no homozygotes.

Submissions (2):

Labcorp Genetics (formerly Invitae), Labcorp
Classification: Likely benign for Eichsfeld type congenital muscular dystrophy. Last evaluated: 2022-08-10. Review status: criteria provided, single submitter. Criteria: Invitae Variant Classification Sherloc (09022015). Collection method: clinical testing. Allele origin: germline.

GeneDx
Classification: Likely benign. Last evaluated: 2016-03-04. Review status: criteria provided, single submitter. Criteria: GeneDx Variant Classification (06012015). Collection method: clinical testing. Allele origin: germline. Affected: yes.
Comment: This variant is considered likely benign or benign based on one or more of the following criteria: it is a conservative change, it occurs at a poorly conserved position in the protein, it is predicted to be benign by multiple in silico algorithms, and/or has population frequency not consistent with disease.

NM_206926.2(SELENON):c.9G>C (p.Arg3=)

Gene: SELENON (selenoprotein N; plus strand). Cytogenetic location: 1p36.11.
Variant type: single nucleotide variant.
Coding change: c.9G>C on transcript NM_206926.2 (MANE Select); coding-DNA position 9, G replaced by C.
Protein change: p.Arg3=; no amino-acid change (arginine 3 retained).
Molecular consequence: synonymous variant.
Genome position (GRCh38, 1-based): chr1:25,800,239, G>C. VCF-style: chr1-25800239-G-C. GRCh37 (hg19) VCF-style: chr1-26126730-G-C.
Other names: c.9G>C, p.Arg3= (NM_020451.3).
Identifiers: ClinVar variation 384517 (VCV000384517.9), dbSNP rs1057521978, ClinGen allele CA16603682.